The following is an entry in ClinVar:

NM_138713.4(NFAT5):c.457A>G (p.Thr153Ala)

Gene: NFAT5 (nuclear factor of activated T cells 5; plus strand). Cytogenetic location: 16q22.1.
Variant type: single nucleotide variant.
Coding change: c.457A>G on transcript NM_138713.4 (MANE Select); coding-DNA position 457, A replaced by G.
Protein change: p.Thr153Ala; replaces threonine 153 with alanine.
Molecular consequence: missense variant. On other transcripts: intron variant (1).
Genome position (GRCh38, 1-based): chr16:69,647,231, A>G. VCF-style: chr16-69647231-A-G. GRCh37 (hg19) VCF-style: chr16-69681134-A-G.
Other names: c.457A>G, p.Thr153Ala (NM_001113178.3); c.403A>G, p.Thr135Ala (NM_006599.4); c.175A>G, p.Thr59Ala (NM_138714.4, NM_173214.3, NM_173215.3); c.140+64A>G (NM_001367709.1); short protein forms T135A, T153A, T59A.
Identifiers: ClinVar variation 2417608 (VCV002417608.6), dbSNP rs1453397225, ClinGen allele CA396484283.

ClinVar aggregate classification (germline): Uncertain significance (1 of 4 stars; one submission).

Conditions:
Immunodeficiency. Identifiers: MedGen C0021051, MONDO:0021094, HP:0002721.

Allele frequency attached by ClinVar (database versions not stated): gnomAD exomes below 0.00001; TOPMed below 0.00001.
gnomAD v4.1: 1 of 1,614,096 alleles (0.000062%); highest among the groups gnomAD compares: Non-Finnish European, 0.000085%; no homozygotes.

Submission:

Labcorp Genetics (formerly Invitae), Labcorp
Classification: Uncertain significance for Immunodeficiency. Last evaluated: 2022-05-29. Review status: criteria provided, single submitter. Criteria: Invitae Variant Classification Sherloc (09022015). Collection method: clinical testing. Allele origin: germline.
Comment: This sequence change replaces threonine, which is neutral and polar, with alanine, which is neutral and non-polar, at codon 59 of the NFAT5 protein (p.Thr59Ala). This variant is not present in population databases (gnomAD no frequency). This variant has not been reported in the literature in individuals affected with NFAT5-related conditions. Algorithms developed to predict the effect of missense changes on protein structure and function (SIFT, PolyPhen-2, Align-GVGD) all suggest that this variant is likely to be tolerated. In summary, the available evidence is currently insufficient to determine the role of this variant in disease. Therefore, it has been classified as a Variant of Uncertain Significance.